The following is an entry in ClinVar:

NM_006946.4(SPTBN2):c.4994T>C (p.Ile1665Thr)

Gene: SPTBN2 (spectrin beta, non-erythrocytic 2; minus strand). Cytogenetic location: 11q13.2.
Variant type: single nucleotide variant.
Coding change: c.4994T>C on transcript NM_006946.4 (MANE Select); coding-DNA position 4994, T replaced by C.
Protein change: p.Ile1665Thr; replaces isoleucine 1665 with threonine.
Molecular consequence: missense variant.
Genome position (GRCh38, 1-based): chr11:66,692,732, A>G on the plus strand (T>C on the coding strand, the complement: SPTBN2 is on the minus strand). VCF-style: chr11-66692732-A-G. GRCh37 (hg19) VCF-style: chr11-66460203-A-G.
Other names: c.5015T>C, p.Ile1672Thr (NM_001411025.1); short protein forms I1665T, I1672T.
Identifiers: ClinVar variation 1918990 (VCV001918990.5), dbSNP rs1434971520, ClinGen allele CA381468253.

ClinVar aggregate classification (germline): Uncertain significance (1 of 4 stars; one submission).

Allele frequency attached by ClinVar (database versions not stated): TOPMed below 0.00001.
gnomAD v4.1: 2 of 1,601,780 alleles (0.00012%); highest among the groups gnomAD compares: Non-Finnish European, 0.00017%; no homozygotes.

Submission:

Labcorp Genetics (formerly Invitae), Labcorp
Classification: Uncertain significance. Last evaluated: 2022-09-24. Review status: criteria provided, single submitter. Criteria: Invitae Variant Classification Sherloc (09022015). Collection method: clinical testing. Allele origin: germline.
Comment: This sequence change replaces isoleucine, which is neutral and non-polar, with threonine, which is neutral and polar, at codon 1665 of the SPTBN2 protein (p.Ile1665Thr). This variant is not present in population databases (gnomAD no frequency). This variant has not been reported in the literature in individuals affected with SPTBN2-related conditions. Advanced modeling of protein sequence and biophysical properties (such as structural, functional, and spatial information, amino acid conservation, physicochemical variation, residue mobility, and thermodynamic stability) performed at Invitae indicates that this missense variant is expected to disrupt SPTBN2 protein function. In summary, the available evidence is currently insufficient to determine the role of this variant in disease. Therefore, it has been classified as a Variant of Uncertain Significance.